The following is an entry in ClinVar:

NM_017534.6(MYH2):c.1416+3G>C

Genes: MYHAS (myosin heavy chain gene cluster antisense RNA; plus strand), MYH2 (myosin heavy chain 2; minus strand). Cytogenetic location: 17p13.1.
Variant type: single nucleotide variant.
Coding change: c.1416+3G>C on transcript NM_017534.6 (MANE Select); 3 bases into the intron after coding-DNA position 1416, G replaced by C.
Molecular consequence: intron variant.
Genome position (GRCh38, 1-based): chr17:10,539,202, C>G on the plus strand (G>C on the coding strand, the complement: MYH2 is on the minus strand). VCF-style: chr17-10539202-C-G. GRCh37 (hg19) VCF-style: chr17-10442519-C-G.
Other names: c.1416+3G>C (NM_001100112.2).
Identifiers: ClinVar variation 652279 (VCV000652279.6), dbSNP rs1242041194, ClinGen allele CA915949570.

ClinVar aggregate classification (germline): Uncertain significance (1 of 4 stars; one submission).

Conditions:
Myopathy, proximal, and ophthalmoplegia (CMYO6). Also called: MYOPATHY WITH CONGENITAL JOINT CONTRACTURES, OPHTHALMOPLEGIA, AND RIMMED VACUOLES; CONGENITAL MYOPATHY 6 WITH OPHTHALMOPLEGIA; INCLUSION BODY MYOPATHY 3, AUTOSOMAL DOMINANT. Identifiers: Orphanet 363677, Orphanet 79091, MedGen C1854106, MONDO:0011577, OMIM 605637.

Submission:

Labcorp Genetics (formerly Invitae), Labcorp
Classification: Uncertain significance for Myopathy, proximal, and ophthalmoplegia. Last evaluated: 2018-10-19. Review status: criteria provided, single submitter. Criteria: Invitae Variant Classification Sherloc (09022015). Collection method: clinical testing. Allele origin: germline.
Comment: This variant is not present in population databases (ExAC no frequency). In summary, the available evidence is currently insufficient to determine the role of this variant in disease. Therefore, it has been classified as a Variant of Uncertain Significance. Nucleotide substitutions within the consensus splice site are a relatively common cause of aberrant splicing (PMID: 17576681, 9536098). Algorithms developed to predict the effect of sequence changes on RNA splicing suggest that this variant may disrupt the consensus splice site, but this prediction has not been confirmed by published transcriptional studies. This variant has not been reported in the literature in individuals with MYH2-related disease. This sequence change falls in intron 14 of the MYH2 gene. It does not directly change the encoded amino acid sequence of the MYH2 protein, but it affects a nucleotide within the consensus splice site of the intron.

Literature cited by the submitters: PubMed 17576681; PubMed 9536098.